The following is an entry in ClinVar:

NM_020937.4(FANCM):c.1178C>A (p.Thr393Asn)

Gene: FANCM (FA complementation group M; plus strand). Cytogenetic location: 14q21.2.
Variant type: single nucleotide variant.
Coding change: c.1178C>A on transcript NM_020937.4 (MANE Select); coding-DNA position 1178, C replaced by A.
Protein change: p.Thr393Asn; replaces threonine 393 with asparagine.
Molecular consequence: missense variant.
Genome position (GRCh38, 1-based): chr14:45,154,047, C>A. VCF-style: chr14-45154047-C-A. GRCh37 (hg19) VCF-style: chr14-45623250-C-A.
Other names: c.1100C>A, p.Thr367Asn (NM_001308133.2); c.1178C>A, p.Thr393Asn (NM_001308134.2); short protein forms T367N, T393N.
Identifiers: ClinVar variation 3384261 (VCV003384261.2).
Genomic context (GRCh38, chr14:45,154,047, plus strand): 5'-TATTGCAGCAAATGGGAATGAGATCATTATATTTCTTCCTTTGTGGAATTATGGATGGAA[C>A]TAAAGGTAAATTATATCAAATTATTTAAAGAAATAATGACATGTATTATTTTGGCTAAAG-3'
Protein context (NP_065988.1, residues 383-403): YFFLCGIMDG[Thr393Asn]KGMTRSKNEL

ClinVar aggregate classification (germline): Uncertain significance. Review status: criteria provided, multiple submitters, no conflicts (2 of 4 stars). 2 submissions from 2 submitters: Uncertain significance (2). Last evaluated 2025-10-22.

Conditions:
Inborn genetic diseases. Identifiers: MedGen C0950123, MeSH D030342.

Submissions (2):

Ambry Genetics
Classification: Uncertain significance for Inborn genetic diseases. Last evaluated: 2025-10-22. Review status: criteria provided, single submitter. Criteria: Ambry Variant Classification Scheme 2023. Collection method: clinical testing. Allele origin: germline.
Comment: The p.T393N variant (also known as c.1178C>A), located in coding exon 6 of the FANCM gene, results from a C to A substitution at nucleotide position 1178. The threonine at codon 393 is replaced by asparagine, an amino acid with similar properties. This amino acid position is conserved. In addition, this alteration is predicted to be tolerated by in silico analysis. Based on the available evidence, the clinical significance of this variant remains unclear.

GeneDx
Classification: Uncertain significance. Last evaluated: 2024-06-07. Review status: criteria provided, single submitter. Criteria: GeneDx Variant Classification Process June 2021. Collection method: clinical testing. Allele origin: germline. Affected: yes.
Comment: Not observed at significant frequency in large population cohorts (gnomAD); In silico analysis supports that this missense variant has a deleterious effect on protein structure/function; Has not been previously published as pathogenic or benign to our knowledge